The following is an entry in ClinVar:

NM_033026.6(PCLO):c.3157C>T (p.Pro1053Ser)

Gene: PCLO (piccolo presynaptic cytomatrix protein; minus strand). Cytogenetic location: 7q21.11.
Variant type: single nucleotide variant.
Coding change: c.3157C>T on transcript NM_033026.6 (MANE Select); coding-DNA position 3157, C replaced by T.
Protein change: p.Pro1053Ser; replaces proline 1053 with serine.
Molecular consequence: missense variant.
Genome position (GRCh38, 1-based): chr7:83,134,393, G>A on the plus strand (C>T on the coding strand, the complement: PCLO is on the minus strand). VCF-style: chr7-83134393-G-A. GRCh37 (hg19) VCF-style: chr7-82763709-G-A.
Other names: c.3157C>T, p.Pro1053Ser (NM_014510.3); short protein forms P1053S.
Identifiers: ClinVar variation 1398882 (VCV001398882.3), dbSNP rs200276478, ClinGen allele CA4321132.

ClinVar aggregate classification (germline): Uncertain significance (1 of 4 stars; one submission).

Allele frequency attached by ClinVar (database versions not stated): gnomAD 0.00012 and 0.00014; ESP Exome Variant Server 0.00017; gnomAD exomes 0.00018 and 0.00029; ExAC 0.00019; 1000 Genomes Project 0.00020; TOPMed 0.00020; 1000 Genomes Project 30x 0.00031.
gnomAD v4.1: 442 of 1,613,754 alleles (0.027%); highest among the groups gnomAD compares: Non-Finnish European, 0.035%; 1 homozygote.

Submission:

Labcorp Genetics (formerly Invitae), Labcorp
Classification: Uncertain significance. Last evaluated: 2022-10-31. Review status: criteria provided, single submitter. Criteria: Invitae Variant Classification Sherloc (09022015). Collection method: clinical testing. Allele origin: germline.
Comment: This sequence change replaces proline, which is neutral and non-polar, with serine, which is neutral and polar, at codon 1053 of the PCLO protein (p.Pro1053Ser). This variant is present in population databases (rs200276478, gnomAD 0.03%). This variant has not been reported in the literature in individuals affected with PCLO-related conditions. ClinVar contains an entry for this variant (Variation ID: 1398882). Algorithms developed to predict the effect of missense changes on protein structure and function output the following: SIFT: "Tolerated"; PolyPhen-2: "Not Available"; Align-GVGD: "Class C0". The serine amino acid residue is found in multiple mammalian species, which suggests that this missense change does not adversely affect protein function. In summary, the available evidence is currently insufficient to determine the role of this variant in disease. Therefore, it has been classified as a Variant of Uncertain Significance.